The following is an entry in ClinVar:

NM_000518.5(HBB):c.*78T>A

Genes: HBB (hemoglobin subunit beta; minus strand), LOC107133510 (origin of replication at HBB; plus strand), LOC110006319 (beta-globin gene 3' regulatory region; plus strand). Cytogenetic location: 11p15.4.
Variant type: single nucleotide variant.
Coding change: c.*78T>A on transcript NM_000518.5 (MANE Select); 78 bases downstream of the stop codon, T replaced by A.
Molecular consequence: 3 prime UTR variant.
Genome position (GRCh38, 1-based): chr11:5,225,520, A>T on the plus strand (T>A on the coding strand, the complement: HBB is on the minus strand). VCF-style: chr11-5225520-A-T. GRCh37 (hg19) VCF-style: chr11-5246750-A-T.
Identifiers: ClinVar variation 2681974 (VCV002681974.1), dbSNP rs1554917435, ClinGen allele CA2697548367.

ClinVar aggregate classification (germline): Uncertain significance (1 of 4 stars; one submission).

Submission:

Quest Diagnostics Nichols Institute San Juan Capistrano
Classification: Uncertain significance. Last evaluated: 2023-03-16. Review status: criteria provided, single submitter. Criteria: Quest Diagnostics criteria. Collection method: clinical testing. Allele origin: unknown.
Comment: The HBB c.*78T>A variant has not been reported in the published literature. It also has not been reported in large, multi-ethnic general populations. Based on the available information, we are unable to determine the clinical significance of this variant.